The following is an entry in ClinVar:

NM_153240.5(NPHP3):c.2365G>A (p.Glu789Lys)

Genes: NPHP3 (nephrocystin 3; minus strand), NPHP3-ACAD11 (NPHP3-ACAD11 readthrough (NMD candidate); minus strand). Cytogenetic location: 3q22.1.
Variant type: single nucleotide variant.
Coding change: c.2365G>A on transcript NM_153240.5 (MANE Select); coding-DNA position 2365, G replaced by A.
Protein change: p.Glu789Lys; replaces glutamic acid 789 with lysine.
Molecular consequence: missense variant. On other transcripts: non-coding transcript variant (1).
Genome position (GRCh38, 1-based): chr3:132,692,764, C>T on the plus strand (G>A on the coding strand, the complement: NPHP3 is on the minus strand). VCF-style: chr3-132692764-C-T. GRCh37 (hg19) VCF-style: chr3-132411608-C-T.
Other names: short protein forms E789K.
Identifiers: ClinVar variation 3663438 (VCV003663438.2).

ClinVar aggregate classification (germline): Uncertain significance (1 of 4 stars; one submission).

Conditions:
Nephronophthisis. Also called: Juvenile Nephronophthisis. Identifiers: Orphanet 655, MedGen C0687120, MONDO:0019005, HP:0000090.

Submission:

Labcorp Genetics (formerly Invitae), Labcorp
Classification: Uncertain significance for Nephronophthisis. Last evaluated: 2024-08-27. Review status: criteria provided, single submitter. Criteria: Invitae Variant Classification Sherloc (09022015). Collection method: clinical testing. Allele origin: germline.
Comment: This sequence change replaces glutamic acid, which is acidic and polar, with lysine, which is basic and polar, at codon 789 of the NPHP3 protein (p.Glu789Lys). This variant is not present in population databases (gnomAD no frequency). This variant has not been reported in the literature in individuals affected with NPHP3-related conditions. Invitae Evidence Modeling of protein sequence and biophysical properties (such as structural, functional, and spatial information, amino acid conservation, physicochemical variation, residue mobility, and thermodynamic stability) has been performed for this missense variant. However, the output from this modeling did not meet the statistical confidence thresholds required to predict the impact of this variant on NPHP3 protein function. In summary, the available evidence is currently insufficient to determine the role of this variant in disease. Therefore, it has been classified as a Variant of Uncertain Significance.